The following is an entry in ClinVar:

ClinVar aggregate classification (germline): Uncertain significance (1 of 4 stars; one submission).

Conditions:
Hereditary cancer-predisposing syndrome. Also called: Tumor predisposition; Hereditary Cancer Syndrome; Hereditary neoplastic syndrome; Neoplastic Syndromes, Hereditary. Identifiers: Orphanet 140162, MedGen C0027672, MeSH D009386, MONDO:0015356.

Submission:

Ambry Genetics
Classification: Uncertain significance for Hereditary cancer-predisposing syndrome. Last evaluated: 2023-06-17. Review status: criteria provided, single submitter. Criteria: Ambry Variant Classification Scheme 2023. Collection method: clinical testing. Allele origin: germline.
Comment: The p.F670L variant (also known as c.2008T>C), located in coding exon 13 of the BRIP1 gene, results from a T to C substitution at nucleotide position 2008. The phenylalanine at codon 670 is replaced by leucine, an amino acid with highly similar properties. This amino acid position is conserved. In addition, the in silico prediction for this alteration is inconclusive. Since supporting evidence is limited at this time, the clinical significance of this alteration remains unclear.

NM_032043.3(BRIP1):c.2008T>C (p.Phe670Leu)

Gene: BRIP1 (BRCA1 interacting DNA helicase 1; minus strand). Cytogenetic location: 17q23.2.
Variant type: single nucleotide variant.
Coding change: c.2008T>C on transcript NM_032043.3 (MANE Select); coding-DNA position 2008, T replaced by C.
Protein change: p.Phe670Leu; replaces phenylalanine 670 with leucine.
Molecular consequence: missense variant.
Genome position (GRCh38, 1-based): chr17:61,776,490, A>G on the plus strand (T>C on the coding strand, the complement: BRIP1 is on the minus strand). VCF-style: chr17-61776490-A-G. GRCh37 (hg19) VCF-style: chr17-59853851-A-G.
Other names: short protein forms F670L.
Identifiers: ClinVar variation 2626371 (VCV002626371.2), dbSNP rs2544998168, ClinGen allele CA400478364.